The following is an entry in ClinVar:

NM_022773.4(LMF1):c.1192A>G (p.Asn398Asp)

Gene: LMF1 (lipase maturation factor 1; minus strand). Cytogenetic location: 16p13.3.
Variant type: single nucleotide variant.
Coding change: c.1192A>G on transcript NM_022773.4 (MANE Select); coding-DNA position 1192, A replaced by G.
Protein change: p.Asn398Asp; replaces asparagine 398 with aspartic acid.
Molecular consequence: missense variant. On other transcripts: non-coding transcript variant (1).
Genome position (GRCh38, 1-based): chr16:870,769, T>C on the plus strand (A>G on the coding strand, the complement: LMF1 is on the minus strand). VCF-style: chr16-870769-T-C. GRCh37 (hg19) VCF-style: chr16-920769-T-C.
Other names: c.541A>G, p.Asn181Asp (NM_001352017.2, NM_001352021.2); c.793A>G, p.Asn265Asp (NM_001352018.2); c.865A>G, p.Asn289Asp (NM_001352019.2); c.1192A>G, p.Asn398Asp (NM_001352020.1); short protein forms N181D, N289D, N398D, N265D.
Identifiers: ClinVar variation 2451805 (VCV002451805.2), dbSNP rs2544495841, ClinGen allele CA394126089.

ClinVar aggregate classification (germline): Uncertain significance (1 of 4 stars; one submission).

Conditions:
Cardiovascular phenotype. Identifiers: MedGen CN230736.

Submission:

Ambry Genetics
Classification: Uncertain significance for Cardiovascular phenotype. Last evaluated: 2023-01-14. Review status: criteria provided, single submitter. Criteria: Ambry Variant Classification Scheme 2023. Collection method: clinical testing. Allele origin: germline.
Comment: The p.N398D variant (also known as c.1192A>G), located in coding exon 8 of the LMF1 gene, results from an A to G substitution at nucleotide position 1192. The asparagine at codon 398 is replaced by aspartic acid, an amino acid with highly similar properties. This amino acid position is conserved. In addition, this alteration is predicted to be tolerated by in silico analysis. Since supporting evidence is limited at this time, the clinical significance of this alteration remains unclear.